The following is an entry in ClinVar:

NM_145698.5(ACBD5):c.407T>C (p.Val136Ala)

Gene: ACBD5 (acyl-CoA binding domain containing 5; minus strand). Cytogenetic location: 10p12.1.
Variant type: single nucleotide variant.
Coding change: c.407T>C on transcript NM_145698.5 (MANE Select); coding-DNA position 407, T replaced by C.
Protein change: p.Val136Ala; replaces valine 136 with alanine.
Molecular consequence: missense variant.
Genome position (GRCh38, 1-based): chr10:27,223,421, A>G on the plus strand (T>C on the coding strand, the complement: ACBD5 is on the minus strand). VCF-style: chr10-27223421-A-G. GRCh37 (hg19) VCF-style: chr10-27512350-A-G.
Other names: c.302T>C, p.Val101Ala (NM_001042473.4, NM_001352574.2, NM_001352575.2 and 6 more transcripts); c.401T>C, p.Val134Ala (NM_001271512.3, NM_001352571.1, NM_001352586.1 and 1 more transcripts); c.80T>C, p.Val27Ala (NM_001301251.2, NM_001301252.2, NM_001301253.2 and 4 more transcripts); c.428T>C, p.Val143Ala (NM_001352568.1, NM_001352572.1); c.407T>C, p.Val136Ala (NM_001352569.1, NM_001352570.1, NM_001352573.1 and 2 more transcripts); short protein forms V136A, V143A, V27A, V134A, V101A.
Identifiers: ClinVar variation 560426 (VCV000560426.11), dbSNP rs573943806, ClinGen allele CA5450960.

ClinVar aggregate classification (germline): Uncertain significance. Review status: criteria provided, multiple submitters, no conflicts (2 of 4 stars). 3 submissions from 3 submitters: Uncertain significance (2). 1 of the submissions does not count toward it. Last evaluated 2022-05-23.

Conditions:
Cone-rod dystrophy. Also called: Cone-rod degeneration; Cone/cone-rod dystrophy. Identifiers: Orphanet 1872, MedGen C4085590, MONDO:0015993, HP:0000548.

Allele frequency attached by ClinVar (database versions not stated): gnomAD 0.00005 and 0.00006; gnomAD exomes 0.00006; TOPMed 0.00006; ExAC 0.00007.

Submissions (3):

Labcorp Genetics (formerly Invitae), Labcorp
Classification: Uncertain significance. Last evaluated: 2022-05-23. Review status: criteria provided, single submitter. Criteria: Invitae Variant Classification Sherloc (09022015). Collection method: clinical testing. Allele origin: germline.
Comment: This sequence change replaces valine, which is neutral and non-polar, with alanine, which is neutral and non-polar, at codon 136 of the ACBD5 protein (p.Val136Ala). This variant is present in population databases (rs573943806, gnomAD 0.01%). This variant has not been reported in the literature in individuals affected with ACBD5-related conditions. ClinVar contains an entry for this variant (Variation ID: 560426). Algorithms developed to predict the effect of missense changes on protein structure and function are either unavailable or do not agree on the potential impact of this missense change (SIFT: "Deleterious"; PolyPhen-2: "Possibly Damaging"; Align-GVGD: "Class C0"). In summary, the available evidence is currently insufficient to determine the role of this variant in disease. Therefore, it has been classified as a Variant of Uncertain Significance.

GeneDx
Classification: Uncertain significance. Last evaluated: 2019-12-16. Review status: criteria provided, single submitter. Criteria: GeneDx Variant Classification Process June 2021. Collection method: clinical testing. Allele origin: germline. Affected: yes.
Comment: In silico analysis, which includes protein predictors and evolutionary conservation, supports that this variant does not alter protein structure/function; Has not been previously published as pathogenic or benign to our knowledge

Joint Genome Diagnostic Labs from Nijmegen and Maastricht, Radboudumc and MUMC+
Classification: Uncertain significance for Cone-rod dystrophy. Last evaluated: 2016-09-01. Review status: no assertion criteria provided. Collection method: clinical testing. Allele origin: inherited. Affected: yes. Observed: 1 variant allele. Not counted in ClinVar's aggregate classification.